The following is an entry in ClinVar:

ClinVar aggregate classification (germline): Conflicting classifications of pathogenicity. Review status: criteria provided, conflicting classifications (1 of 4 stars). 3 submissions from 3 submitters: Uncertain significance (1); Likely benign (1). 1 of the submissions does not count toward it. Last evaluated 2025-04-14.

Conditions:
HEMOGLOBIN O (PADOVA).

Allele frequency attached by ClinVar (database versions not stated): TOPMed below 0.00001.

Submissions (3):

ARUP Laboratories, Molecular Genetics and Genomics, ARUP Laboratories
Classification: Likely benign. Last evaluated: 2025-04-14. Review status: criteria provided, single submitter. Criteria: ARUP Molecular Germline Variant Investigation Process 2024. Collection method: clinical testing. Allele origin: germline.
Comment: The Hb O Padova variant (HBA1: c.91G>A; p.Glu31Lys, also known as Glu30Lys when numbered from the mature protein, rs33993166, HbVar ID: 46) is reported in the literature in an individual affected with hemolytic anemia but has also been reported in multiple individuals without clinical symptoms or with reportedly normal hematology (Schnedl 1997, Vettore 1974, HbVar database and references therein). This variant affected measurement of A1c levels in at least one diabetic individual (Schnedl 1997). This variant is reported in ClinVar (Variation ID: 15794) and is absent from the Genome Aggregation Database, indicating it is not a common polymorphism. Computational analyses predict that this variant is deleterious (REVEL: 0.703). However, functional studies suggest the variant has normal oxygen affinity, cooperativity, and stability (Vettore 1974, HbVar link and references therein). Based on available information, this variant is considered to be likely benign. References: HbVar link to HbVar database: Schnedl WJ et al. Haemoglobin O Padova and falsely low haemoglobin A1c in a patient with type I diabetes. J Clin Pathol. 1997;50(5):434-435. PMID: 9215129. Vettore L et al. A new abnormal hemoglobin O Padova, alpha 30 (B11) Glu -- Lys, and a dyserythropoietic anemia with erythroblastic multinuclearity coexisting in the same patient. Blood. 1974;44(6):869-877. PMID: 4429803.

Quest Diagnostics Nichols Institute San Juan Capistrano
Classification: Uncertain significance. Last evaluated: 2020-10-07. Review status: criteria provided, single submitter. Criteria: Quest Diagnostics criteria. Collection method: clinical testing. Allele origin: unknown.

OMIM
Classification: other for HEMOGLOBIN O (PADOVA). Last evaluated: 2018-05-10. Review status: no assertion criteria provided. Collection method: literature only. Allele origin: germline. Not counted in ClinVar's aggregate classification.

Literature cited by the submitters: PubMed 9215129 (cited by Quest Diagnostics Nichols Institute San Juan Capistrano and OMIM); PubMed 2117321 (cited by Quest Diagnostics Nichols Institute San Juan Capistrano and OMIM); PubMed 2869010 (cited by Quest Diagnostics Nichols Institute San Juan Capistrano and OMIM); PubMed 4429803 (cited by Quest Diagnostics Nichols Institute San Juan Capistrano and OMIM); PubMed 12195002 (cited by Quest Diagnostics Nichols Institute San Juan Capistrano); PubMed 10868862 (cited by Quest Diagnostics Nichols Institute San Juan Capistrano); PubMed 32420790 (cited by Quest Diagnostics Nichols Institute San Juan Capistrano); PubMed 6866546 (cited by Quest Diagnostics Nichols Institute San Juan Capistrano).

NM_000558.5(HBA1):c.91G>A (p.Glu31Lys)

Genes: HBA1 (hemoglobin subunit alpha 1; plus strand), LOC106804613 (hemoglobin subunit alpha 1 recombination region; plus strand). Cytogenetic location: 16p13.3.
Variant type: single nucleotide variant.
Coding change: c.91G>A on transcript NM_000558.5 (MANE Select); coding-DNA position 91, G replaced by A.
Protein change: p.Glu31Lys; replaces glutamic acid 31 with lysine.
Molecular consequence: missense variant.
Genome position (GRCh38, 1-based): chr16:176,807, G>A. VCF-style: chr16-176807-G-A. GRCh37 (hg19) VCF-style: chr16-226806-G-A.
Other names: E30K; short protein forms E31K.
Identifiers: ClinVar variation 15794 (VCV000015794.13), dbSNP rs33993166, ClinGen allele CA125849.